The following is an entry in ClinVar:

NM_001127464.1:c.6742G>T

Gene: ZNF469 (zinc finger protein 469; plus strand).
Variant type: single nucleotide variant.
Identifiers: ClinVar variation 4209142 (VCV004209142.1).

ClinVar aggregate classification (germline): Uncertain significance (1 of 4 stars; one submission).

Conditions:
Cardiovascular phenotype. Identifiers: MedGen CN230736.

Submission:

Ambry Genetics
Classification: Uncertain significance for Cardiovascular phenotype. Last evaluated: 2025-06-20. Review status: criteria provided, single submitter. Criteria: Ambry Variant Classification Scheme 2023. Collection method: clinical testing. Allele origin: germline.
Comment: The p.A2248S variant (also known as c.6742G>T), located in coding exon 2 of the ZNF469 gene, results from a G to T substitution at nucleotide position 6742. The alanine at codon 2248 is replaced by serine, an amino acid with similar properties. This amino acid position is conserved. In addition, this alteration is predicted to be tolerated by in silico analysis. Based on the available evidence, the clinical significance of this variant remains unclear.